The following is an entry in ClinVar:

NM_001278116.2(L1CAM):c.2689G>C (p.Ala897Pro)

Gene: L1CAM (L1 cell adhesion molecule; minus strand). Cytogenetic location: Xq28.
Variant type: single nucleotide variant.
Coding change: c.2689G>C on transcript NM_001278116.2 (MANE Select); coding-DNA position 2689, G replaced by C.
Protein change: p.Ala897Pro; replaces alanine 897 with proline.
Molecular consequence: missense variant.
Genome position (GRCh38, 1-based): chrX:153,865,359, C>G on the plus strand (G>C on the coding strand, the complement: L1CAM is on the minus strand). VCF-style: chrX-153865359-C-G. GRCh37 (hg19) VCF-style: chrX-153130814-C-G.
Other names: c.2689G>C, p.Ala897Pro (NM_000425.5, NM_024003.3); c.2674G>C, p.Ala892Pro (NM_001143963.2); short protein forms A892P, A897P.
Identifiers: ClinVar variation 3344736 (VCV003344736.1).

ClinVar aggregate classification (germline): Uncertain significance (0 of 4 stars; one submission).

Conditions:
L1CAM-related disorder. Also called: L1CAM-related condition.

Submission:

PreventionGenetics, part of Exact Sciences
Classification: Uncertain significance for L1CAM-related condition. Last evaluated: 2024-06-20. Review status: no assertion criteria provided. Collection method: clinical testing. Allele origin: germline.
Comment: The L1CAM c.2689G>C variant is predicted to result in the amino acid substitution p.Ala897Pro. To our knowledge, this variant has not been reported in the literature or in a large population database, indicating this variant is rare. At this time, the clinical significance of this variant is uncertain due to the absence of conclusive functional and genetic evidence.